The following is an entry in ClinVar:

NM_006947.4(SRP72):c.288T>A (p.Asn96Lys)

Gene: SRP72 (signal recognition particle 72; plus strand). Cytogenetic location: 4q12.
Variant type: single nucleotide variant.
Coding change: c.288T>A on transcript NM_006947.4 (MANE Select); coding-DNA position 288, T replaced by A.
Protein change: p.Asn96Lys; replaces asparagine 96 with lysine.
Molecular consequence: missense variant. On other transcripts: non-coding transcript variant (1).
Genome position (GRCh38, 1-based): chr4:56,471,777, T>A. VCF-style: chr4-56471777-T-A. GRCh37 (hg19) VCF-style: chr4-57337943-T-A.
Other names: c.288T>A, p.Asn96Lys (NM_001267722.2); short protein forms N96K.
Identifiers: ClinVar variation 3003881 (VCV003003881.3), dbSNP rs1337773804, ClinGen allele CA356996140.

ClinVar aggregate classification (germline): Uncertain significance (1 of 4 stars; one submission).

Allele frequency attached by ClinVar (database versions not stated): gnomAD 0.00001.
gnomAD v4.1: 2 of 1,614,036 alleles (0.00012%); highest among the groups gnomAD compares: African/African-American, 0.0013%; no homozygotes.

Submission:

Labcorp Genetics (formerly Invitae), Labcorp
Classification: Uncertain significance. Last evaluated: 2024-08-31. Review status: criteria provided, single submitter. Criteria: Invitae Variant Classification Sherloc (09022015). Collection method: clinical testing. Allele origin: germline.
Comment: This sequence change replaces asparagine, which is neutral and polar, with lysine, which is basic and polar, at codon 96 of the SRP72 protein (p.Asn96Lys). This variant is not present in population databases (gnomAD no frequency). This variant has not been reported in the literature in individuals affected with SRP72-related conditions. Invitae Evidence Modeling of protein sequence and biophysical properties (such as structural, functional, and spatial information, amino acid conservation, physicochemical variation, residue mobility, and thermodynamic stability) indicates that this missense variant is not expected to disrupt SRP72 protein function with a negative predictive value of 80%. In summary, the available evidence is currently insufficient to determine the role of this variant in disease. Therefore, it has been classified as a Variant of Uncertain Significance.